The following is an entry in ClinVar:

NM_000796.6(DRD3):c.821G>A (p.Gly274Glu)

Gene: DRD3 (dopamine receptor D3; minus strand). Cytogenetic location: 3q13.31.
Variant type: single nucleotide variant.
Coding change: c.821G>A on transcript NM_000796.6 (MANE Select); coding-DNA position 821, G replaced by A.
Protein change: p.Gly274Glu; replaces glycine 274 with glutamic acid.
Molecular consequence: missense variant.
Genome position (GRCh38, 1-based): chr3:114,131,303, C>T on the plus strand (G>A on the coding strand, the complement: DRD3 is on the minus strand). VCF-style: chr3-114131303-C-T. GRCh37 (hg19) VCF-style: chr3-113850150-C-T.
Other names: c.821G>A, p.Gly274Glu (NM_001282563.2, NM_001290809.1, NM_033663.6); c.821G>A (NM_000796.5); short protein forms G274E.
Identifiers: ClinVar variation 4978529 (VCV004978529.1), dbSNP rs200825904.

ClinVar aggregate classification (germline): Uncertain significance (1 of 4 stars; one submission).

Conditions:
DRD3-related disorder. Also called: DRD3-related condition.

Allele frequency attached by ClinVar (database versions not stated): gnomAD 0.00001; ExAC 0.00002; gnomAD exomes 0.00002 and 0.00003; TOPMed 0.00002.
gnomAD v4.1: 26 of 1,614,094 alleles (0.0016%); highest among the groups gnomAD compares: Admixed American, 0.0033%; no homozygotes.

Submission:

PreventionGenetics, part of Exact Sciences
Classification: Uncertain significance for DRD3-related condition. Last evaluated: 2025-02-25. Review status: criteria provided, single submitter. Criteria: ACMG Guidelines, 2015. Collection method: clinical testing. Allele origin: germline.
Comment: The DRD3 c.821G>A variant is predicted to result in the amino acid substitution p.Gly274Glu. To our knowledge, this variant has not been reported in the literature. This variant is reported in 0.0054% of alleles in individuals of European (Non-Finnish) descent in gnomAD. At this time, the clinical significance of this variant is uncertain due to the absence of conclusive functional and genetic evidence.